The following is an entry in ClinVar:

ClinVar aggregate classification (germline): Uncertain significance. Review status: criteria provided, multiple submitters, no conflicts (2 of 4 stars). 2 submissions from 2 submitters: Uncertain significance (2). Last evaluated 2025-10-03.

Conditions:
X-linked lymphoproliferative disease due to XIAP deficiency. Also called: XIAP DEFICIENCY; XIAP-Related Lymphoproliferative Disease, X-Linked. Identifiers: Orphanet 2442, Orphanet 538934, MedGen C1845076, MONDO:0010385, OMIM 300635.
Inborn genetic diseases. Identifiers: MedGen C0950123, MeSH D030342.

Allele frequency attached by ClinVar (database versions not stated): gnomAD 0.00001; gnomAD exomes 0.00001; TOPMed 0.00001.
gnomAD v4.1: 4 of 1,210,255 alleles (0.00033%); highest among the groups gnomAD compares: Admixed American, 0.0044%; no homozygotes.

Submissions (2):

Labcorp Genetics (formerly Invitae), Labcorp
Classification: Uncertain significance for X-linked lymphoproliferative disease due to XIAP deficiency. Last evaluated: 2025-10-03. Review status: criteria provided, single submitter. Criteria: Invitae Variant Classification Sherloc (09022015). Collection method: clinical testing. Allele origin: germline.
Comment: This sequence change replaces glycine, which is neutral and non-polar, with alanine, which is neutral and non-polar, at codon 76 of the XIAP protein (p.Gly76Ala). This variant is present in population databases (no rsID available, gnomAD 0.004%). This variant has not been reported in the literature in individuals affected with XIAP-related conditions. ClinVar contains an entry for this variant (Variation ID: 940577). Invitae Evidence Modeling of protein sequence and biophysical properties (such as structural, functional, and spatial information, amino acid conservation, physicochemical variation, residue mobility, and thermodynamic stability) indicates that this missense variant is not expected to disrupt XIAP protein function with a negative predictive value of 80%. In summary, the available evidence is currently insufficient to determine the role of this variant in disease. Therefore, it has been classified as a Variant of Uncertain Significance.

Ambry Genetics
Classification: Uncertain significance for Inborn genetic diseases. Last evaluated: 2025-01-08. Review status: criteria provided, single submitter. Criteria: Ambry Variant Classification Scheme 2023. Collection method: clinical testing. Allele origin: germline.

NM_001167.4(XIAP):c.227G>C (p.Gly76Ala)

Gene: XIAP (X-linked inhibitor of apoptosis; plus strand). Cytogenetic location: Xq25.
Variant type: single nucleotide variant.
Coding change: c.227G>C on transcript NM_001167.4 (MANE Select); coding-DNA position 227, G replaced by C.
Protein change: p.Gly76Ala; replaces glycine 76 with alanine.
Molecular consequence: missense variant.
Genome position (GRCh38, 1-based): chrX:123,885,889, G>C. VCF-style: chrX-123885889-G-C. GRCh37 (hg19) VCF-style: chrX-123019739-G-C.
Other names: c.227G>C, p.Gly76Ala (NM_001204401.2, NM_001378590.1, NM_001378591.1 and 1 more transcripts); short protein forms G76A.
Identifiers: ClinVar variation 940577 (VCV000940577.9), dbSNP rs1481750191, ClinGen allele CA414122990.